The following is an entry in ClinVar:

NM_000429.3(MAT1A):c.*1206G>A

Gene: MAT1A (methionine adenosyltransferase 1A; minus strand). Cytogenetic location: 10q22.3.
Variant type: single nucleotide variant.
Coding change: c.*1206G>A on transcript NM_000429.3 (MANE Select); 1206 bases downstream of the stop codon, G replaced by A.
Molecular consequence: 3 prime UTR variant.
Genome position (GRCh38, 1-based): chr10:80,272,575, C>T on the plus strand (G>A on the coding strand, the complement: MAT1A is on the minus strand). VCF-style: chr10-80272575-C-T. GRCh37 (hg19) VCF-style: chr10-82032331-C-T.
Identifiers: ClinVar variation 301158 (VCV000301158.6), dbSNP rs1832683, ClinGen allele CA10632456.
Genomic context (GRCh38, chr10:80,272,575, plus strand): 5'-ATGAGGCCATAGGACCAGCCTCCCTGGATCCGAAAGGGCCACTCACTCCCTCCAAATGCA[C>T]TCAGCCTGCAGGGGATACAAGGGACCAGGGAAAGAGAAAGACTTGAGGGCCTCTGTCTAA-3'

ClinVar aggregate classification (germline): Benign. Review status: criteria provided, multiple submitters, no conflicts (2 of 4 stars). 2 submissions from 2 submitters: Benign (2). Last evaluated 2018-01-12.

Conditions:
Hepatic methionine adenosyltransferase deficiency. Also called: MAT I/III DEFICIENCY; Methionine adenosyltransferase deficiency; Deficiency of methionine adenosyltransferase; Isolated Persistent Hypermethioninemia. Identifiers: Orphanet 168598, MedGen C0268621, MeSH C564683, MONDO:0009607, OMIM 250850.

Allele frequency attached by ClinVar (database versions not stated): 1000 Genomes Project 0.19309; TOPMed 0.21492; gnomAD 0.20674 and 0.20619; gnomAD exomes 0.13851; 1000 Genomes Project 30x 0.19691.
gnomAD v4.1: 31,369 of 152,390 alleles (21%); highest among the groups gnomAD compares: South Asian, 29%; 3,501 homozygotes.

Submissions (2):

Illumina Laboratory Services, Illumina
Classification: Benign for Hepatic methionine adenosyltransferase deficiency. Last evaluated: 2018-01-12. Review status: criteria provided, single submitter. Criteria: ICSL Variant Classification Criteria 13 December 2019. Collection method: clinical testing. Allele origin: germline.
Comment: This variant was observed in the ICSL laboratory as part of a predisposition screen in an ostensibly healthy population. It had not been previously curated by ICSL or reported in the Human Gene Mutation Database (HGMD: prior to June 1st, 2018), and was therefore a candidate for classification through an automated scoring system. Utilizing variant allele frequency, disease prevalence and penetrance estimates, and inheritance mode, an automated score was calculated to assess if this variant is too frequent to cause the disease. Based on the score and internal cut-off values, a variant classified as benign is not then subjected to further curation. The score for this variant resulted in a classification of benign for this disease.

Breakthrough Genomics
Classification: Benign. Review status: criteria provided, single submitter. Criteria: ACMG Guidelines, 2015. Collection method: not provided. Allele origin: germline. Inheritance: Autosomal dominant inheritance. Affected: yes.